The following is an entry in ClinVar:

ClinVar aggregate classification (germline): Uncertain significance. Review status: criteria provided, multiple submitters, no conflicts (2 of 4 stars). 2 submissions from 2 submitters: Uncertain significance (2). Last evaluated 2023-10-23.

Conditions:
Dyskeratosis congenita. Identifiers: Orphanet 1775, MedGen C0265965, MONDO:0015780.

Allele frequency attached by ClinVar (database versions not stated): ExAC 0.00001; gnomAD 0.00001; gnomAD exomes 0.00001; TOPMed 0.00002.

Submissions (2):

Labcorp Genetics (formerly Invitae), Labcorp
Classification: Uncertain significance for Dyskeratosis congenita. Last evaluated: 2023-10-23. Review status: criteria provided, single submitter. Criteria: Invitae Variant Classification Sherloc (09022015). Collection method: clinical testing. Allele origin: germline.
Comment: This sequence change replaces glycine, which is neutral and non-polar, with serine, which is neutral and polar, at codon 427 of the CTC1 protein (p.Gly427Ser). This variant is present in population databases (rs749511585, gnomAD 0.0009%). This variant has not been reported in the literature in individuals affected with CTC1-related conditions. ClinVar contains an entry for this variant (Variation ID: 1060331). Advanced modeling of protein sequence and biophysical properties (such as structural, functional, and spatial information, amino acid conservation, physicochemical variation, residue mobility, and thermodynamic stability) performed at Invitae indicates that this missense variant is not expected to disrupt CTC1 protein function. In summary, the available evidence is currently insufficient to determine the role of this variant in disease. Therefore, it has been classified as a Variant of Uncertain Significance.

Blueprint Genetics
Classification: Uncertain significance. Last evaluated: 2023-06-21. Review status: criteria provided, single submitter. Criteria: ACMG Guidelines, 2015. Collection method: clinical testing. Allele origin: germline.

NM_025099.6(CTC1):c.1279G>A (p.Gly427Ser)

Gene: CTC1 (CST telomere replication complex component 1; minus strand). Cytogenetic location: 17p13.1.
Variant type: single nucleotide variant.
Coding change: c.1279G>A on transcript NM_025099.6 (MANE Select); coding-DNA position 1279, G replaced by A.
Protein change: p.Gly427Ser; replaces glycine 427 with serine.
Molecular consequence: missense variant. On other transcripts: non-coding transcript variant (1).
Genome position (GRCh38, 1-based): chr17:8,235,213, C>T on the plus strand (G>A on the coding strand, the complement: CTC1 is on the minus strand). VCF-style: chr17-8235213-C-T. GRCh37 (hg19) VCF-style: chr17-8138531-C-T.
Other names: short protein forms G427S.
Identifiers: ClinVar variation 1060331 (VCV001060331.10), dbSNP rs749511585, ClinGen allele CA8372401.